The following is an entry in ClinVar:

ClinVar aggregate classification (germline): Uncertain significance (1 of 4 stars; one submission).

Conditions:
Malignant hyperthermia, susceptibility to, 1 (MHS1). Also called: RYR1-Related Malignant Hyperthermia Susceptibility; Anesthesia related hyperthermia; Malignant hyperpyrexia; Fulminating hyperpyrexia; Pharmacogenic myopathy; Malignant hyperthermia suceptibility 1. Identifiers: Orphanet 423, MedGen C2930980, MONDO:0007783, OMIM 145600.

Submission:

All of Us Research Program, National Institutes of Health
Classification: Uncertain significance for Malignant hyperthermia, susceptibility to, 1. Last evaluated: 2024-09-17. Review status: criteria provided, single submitter. Criteria: ACMG Guidelines, 2015. Collection method: clinical testing. Allele origin: germline. Inheritance: Autosomal dominant inheritance. Observed: 2 variant alleles, 2 heterozygotes.
Comment: This missense variant replaces lysine with arginine at codon 1348 of the RYR1 protein. Computational prediction suggests that this variant may not impact protein structure and function (internally defined REVEL score threshold <= 0.5, PMID: 27666373). To our knowledge, functional studies have not been reported for this variant. This variant has not been reported in individuals affected with malignant hyperthermia in the literature. This variant has not been identified in the general population by the Genome Aggregation Database (gnomAD). The available evidence is insufficient to determine the role of this variant in disease conclusively. Therefore, this variant is classified as a Variant of Uncertain Significance.

This study involves interpretation of variants in research participants for the purpose of population health screening. Participant phenotype was not available at the time of variant classification. Additional details can be found in publication PMID: 35346344, PMCID: PMC8962531

NM_000540.3(RYR1):c.4043A>G (p.Lys1348Arg)

Gene: RYR1 (ryanodine receptor 1; plus strand). Cytogenetic location: 19q13.2.
Variant type: single nucleotide variant.
Coding change: c.4043A>G on transcript NM_000540.3 (MANE Select); coding-DNA position 4043, A replaced by G.
Protein change: p.Lys1348Arg; replaces lysine 1348 with arginine.
Molecular consequence: missense variant.
Genome position (GRCh38, 1-based): chr19:38,473,654, A>G. VCF-style: chr19-38473654-A-G. GRCh37 (hg19) VCF-style: chr19-38964294-A-G.
Other names: c.4043A>G, p.Lys1348Arg (NM_001042723.2); short protein forms K1348R.
Identifiers: ClinVar variation 3069250 (VCV003069250.2), dbSNP rs2514148685, ClinGen allele CA405642758.